The following is an entry in ClinVar:

ClinVar aggregate classification (germline): Uncertain significance. Review status: criteria provided, multiple submitters, no conflicts (2 of 4 stars). 2 submissions from 2 submitters: Uncertain significance (2). Last evaluated 2023-04-28.

Conditions:
Vici syndrome (VICIS). Identifiers: Orphanet 1493, MedGen C1855772, MONDO:0009452, OMIM 242840.

Allele frequency attached by ClinVar (database versions not stated): gnomAD exomes 0.00004 and 0.00005; ExAC 0.00005; TOPMed below 0.00001; gnomAD 0.00002.
gnomAD v4.1: 59 of 1,614,064 alleles (0.0037%); highest among the groups gnomAD compares: South Asian, 0.061%; 1 homozygote.

Submissions (2):

GeneDx
Classification: Uncertain significance. Last evaluated: 2023-04-28. Review status: criteria provided, single submitter. Criteria: GeneDx Variant Classification Process June 2021. Collection method: clinical testing. Allele origin: germline. Affected: yes.
Comment: In silico analysis supports that this missense variant does not alter protein structure/function; Has not been previously published as pathogenic or benign to our knowledge

Labcorp Genetics (formerly Invitae), Labcorp
Classification: Uncertain significance for Vici syndrome. Last evaluated: 2022-08-01. Review status: criteria provided, single submitter. Criteria: Invitae Variant Classification Sherloc (09022015). Collection method: clinical testing. Allele origin: germline.
Comment: This sequence change replaces asparagine, which is neutral and polar, with aspartic acid, which is acidic and polar, at codon 632 of the EPG5 protein (p.Asn632Asp). This variant is present in population databases (rs765831533, gnomAD 0.04%). This variant has not been reported in the literature in individuals affected with EPG5-related conditions. ClinVar contains an entry for this variant (Variation ID: 1445425). Algorithms developed to predict the effect of missense changes on protein structure and function are either unavailable or do not agree on the potential impact of this missense change (SIFT: "Tolerated"; PolyPhen-2: "Probably Damaging"; Align-GVGD: "Class C0"). In summary, the available evidence is currently insufficient to determine the role of this variant in disease. Therefore, it has been classified as a Variant of Uncertain Significance.

NM_020964.3(EPG5):c.1894A>G (p.Asn632Asp)

Gene: EPG5 (ectopic P-granules 5 autophagy tethering factor; minus strand). Cytogenetic location: 18q21.1.
Variant type: single nucleotide variant.
Coding change: c.1894A>G on transcript NM_020964.3 (MANE Select); coding-DNA position 1894, A replaced by G.
Protein change: p.Asn632Asp; replaces asparagine 632 with aspartic acid.
Molecular consequence: missense variant.
Genome position (GRCh38, 1-based): chr18:45,943,210, T>C on the plus strand (A>G on the coding strand, the complement: EPG5 is on the minus strand). VCF-style: chr18-45943210-T-C. GRCh37 (hg19) VCF-style: chr18-43523176-T-C.
Other names: c.1894A>G (NM_020964.2); short protein forms N632D.
Identifiers: ClinVar variation 1445425 (VCV001445425.5), dbSNP rs765831533, ClinGen allele CA8949582.